The following is an entry in ClinVar:

NM_020549.5(CHAT):c.1512-301T>G

Gene: CHAT (choline O-acetyltransferase; plus strand). Cytogenetic location: 10q11.23.
Variant type: single nucleotide variant.
Coding change: c.1512-301T>G on transcript NM_020549.5 (MANE Select); 301 bases into the intron before coding-DNA position 1512, T replaced by G.
Molecular consequence: intron variant.
Genome position (GRCh38, 1-based): chr10:49,651,583, T>G. VCF-style: chr10-49651583-T-G. GRCh37 (hg19) VCF-style: chr10-50859629-T-G.
Other names: c.1158-301T>G (NM_020984.4, NM_020985.4, NM_020986.4 and 2 more transcripts); c.1266-301T>G (NM_001142933.2).
Identifiers: ClinVar variation 668073 (VCV000668073.1), dbSNP rs7903496, ClinGen allele CA13154236.

ClinVar aggregate classification (germline): Benign (1 of 4 stars; one submission).

Allele frequency attached by ClinVar (database versions not stated): gnomAD 0.56536 and 0.56537; TOPMed 0.56546; 1000 Genomes Project 30x 0.57808; 1000 Genomes Project 0.58466.
gnomAD v4.1: 86,046 of 152,146 alleles (57%); highest among the groups gnomAD compares: East Asian, 69%; 24,592 homozygotes.

Submission:

GeneDx
Classification: Benign. Last evaluated: 2018-06-16. Review status: criteria provided, single submitter. Criteria: GeneDx Variant Classification (06012015). Collection method: clinical testing. Allele origin: germline. Affected: yes.
Comment: This variant is considered likely benign or benign based on one or more of the following criteria: it is a conservative change, it occurs at a poorly conserved position in the protein, it is predicted to be benign by multiple in silico algorithms, and/or has population frequency not consistent with disease.